The following is an entry in ClinVar:

ClinVar aggregate classification (germline): Uncertain significance (1 of 4 stars; one submission).

Conditions:
Cardiovascular phenotype. Identifiers: MedGen CN230736.

Submission:

Ambry Genetics
Classification: Uncertain significance for Cardiovascular phenotype. Last evaluated: 2026-02-22. Review status: criteria provided, single submitter. Criteria: Ambry Variant Classification Scheme 2023. Collection method: clinical testing. Allele origin: germline.
Comment: The p.L3263R variant (also known as c.9788T>G), located in coding exon 28 of the TNXB gene, results from a T to G substitution at nucleotide position 9788. The leucine at codon 3263 is replaced by arginine, an amino acid with dissimilar properties. This amino acid position is conserved. In addition, this alteration is predicted to be tolerated by in silico analysis. Based on the available evidence, the clinical significance of this variant remains unclear.

NM_001365276.2(TNXB):c.9794T>G (p.Leu3265Arg)

Gene: TNXB (tenascin XB; minus strand). Cytogenetic location: 6p21.33.
Variant type: single nucleotide variant.
Coding change: c.9794T>G on transcript NM_001365276.2 (MANE Select); coding-DNA position 9794, T replaced by G.
Protein change: p.Leu3265Arg; replaces leucine 3265 with arginine.
Molecular consequence: missense variant.
Genome position (GRCh38, 1-based): chr6:32,048,614, A>C on the plus strand (T>G on the coding strand, the complement: TNXB is on the minus strand). VCF-style: chr6-32048614-A-C. GRCh37 (hg19) VCF-style: chr6-32016391-A-C.
Other names: c.10535T>G, p.Leu3512Arg (NM_001428335.1); c.9788T>G, p.Leu3263Arg (NM_019105.8); short protein forms L3265R, L3263R, L3512R.
Identifiers: ClinVar variation 4824419 (VCV004824419.1).